The following is an entry in ClinVar:

NM_001943.5(DSG2):c.2165G>A (p.Arg722Lys)

Genes: DSG2 (desmoglein 2; plus strand), DSG2-AS1 (DSG2 antisense RNA 1; minus strand). Cytogenetic location: 18q12.1.
Variant type: single nucleotide variant.
Coding change: c.2165G>A on transcript NM_001943.5 (MANE Select); coding-DNA position 2165, G replaced by A.
Protein change: p.Arg722Lys; replaces arginine 722 with lysine.
Molecular consequence: missense variant.
Genome position (GRCh38, 1-based): chr18:31,542,683, G>A. VCF-style: chr18-31542683-G-A. GRCh37 (hg19) VCF-style: chr18-29122646-G-A.
Other names: c.2165G>A (LRG_397t1); short protein forms R722K.
Identifiers: ClinVar variation 422554 (VCV000422554.23), dbSNP rs376819371, ClinGen allele CA045079.

ClinVar aggregate classification (germline): Uncertain significance. Review status: criteria provided, multiple submitters, no conflicts (2 of 4 stars). 5 submissions from 5 submitters: Uncertain significance (5). Last evaluated 2026-03-15.

Conditions:
Cardiovascular phenotype. Identifiers: MedGen CN230736.
Arrhythmogenic right ventricular cardiomyopathy (ARVD). Also called: Cardiomyopathy, ARVC; Arrhythmogenic right ventricular dysplasia; Arrhythmogenic cardiomyopathy; Arrhythmogenic Right Ventricular Cardiomyopathy (ARVC). Identifiers: Orphanet 247, MedGen C0349788, MeSH D019571, MONDO:0016587. Disease mechanism: loss of function. Inheritance: Various modes of inheritance.
Cardiomyopathy (CMYO). Also called: Cardiomyopathies. Identifiers: Orphanet 167848, MedGen C0878544, MONDO:0004994, HP:0001638. Inheritance: Various modes of inheritance.
Arrhythmogenic right ventricular dysplasia 10. Also called: Arrhythmogenic Right Ventricular Dysplasia/Cardiomyopathy10; Arrhythmogenic right ventricular dysplasia/cardiomyopathy, type 10; ARRHYTHMOGENIC RIGHT VENTRICULAR DYSPLASIA, FAMILIAL, 10. Identifiers: MedGen C1857777, MONDO:0012434, OMIM 610193.

Allele frequency attached by ClinVar (database versions not stated): gnomAD exomes 0.00003 and 0.00002; TOPMed 0.00001; ExAC 0.00002; ESP Exome Variant Server 0.00008; gnomAD 0.00002.
gnomAD v4.1: 49 of 1,614,096 alleles (0.003%); highest among the groups gnomAD compares: Non-Finnish European, 0.004%; no homozygotes.

Submissions (5):

Ambry Genetics
Classification: Uncertain significance for Cardiovascular phenotype. Last evaluated: 2026-03-15. Review status: criteria provided, single submitter. Criteria: Ambry Variant Classification Scheme 2023. Collection method: clinical testing. Allele origin: germline.
Comment: The p.R722K variant (also known as c.2165G>A), located in coding exon 14 of the DSG2 gene, results from a G to A substitution at nucleotide position 2165. The arginine at codon 722 is replaced by lysine, an amino acid with highly similar properties. This amino acid position is conserved. In addition, this alteration is predicted to be tolerated by in silico analysis. Based on the available evidence, the clinical significance of this variant remains unclear.

Labcorp Genetics (formerly Invitae), Labcorp
Classification: Uncertain significance for Arrhythmogenic right ventricular dysplasia 10. Last evaluated: 2026-01-27. Review status: criteria provided, single submitter. Criteria: Invitae Variant Classification Sherloc (09022015). Collection method: clinical testing. Allele origin: germline.
Comment: This sequence change replaces arginine, which is basic and polar, with lysine, which is basic and polar, at codon 722 of the DSG2 protein (p.Arg722Lys). This variant is present in population databases (rs376819371, gnomAD 0.004%). This variant has not been reported in the literature in individuals affected with DSG2-related conditions. ClinVar contains an entry for this variant (Variation ID: 422554). Invitae Evidence Modeling of protein sequence and biophysical properties (such as structural, functional, and spatial information, amino acid conservation, physicochemical variation, residue mobility, and thermodynamic stability) has been performed for this missense variant. However, the output from this modeling did not meet the statistical confidence thresholds required to predict the impact of this variant on DSG2 protein function. In summary, the available evidence is currently insufficient to determine the role of this variant in disease. Therefore, it has been classified as a Variant of Uncertain Significance.

All of Us Research Program, National Institutes of Health
Classification: Uncertain significance for Arrhythmogenic right ventricular cardiomyopathy. Last evaluated: 2024-07-29. Review status: criteria provided, single submitter. Criteria: ACMG Guidelines, 2015. Collection method: clinical testing. Allele origin: germline. Inheritance: Autosomal dominant inheritance. Observed: 6 variant alleles, 6 heterozygotes.
Comment: This missense variant replaces arginine with lysine at codon 722 of the DSG2 protein. Computational prediction suggests that this variant may not impact protein structure and function (internally defined REVEL score threshold <= 0.5, PMID: 27666373). To our knowledge, functional studies have not been reported for this variant. This variant has not been reported in individuals affected with cardiovascular disorders in the literature. This variant has been identified in 5/249456 chromosomes in the general population by the Genome Aggregation Database (gnomAD). The available evidence is insufficient to determine the role of this variant in disease conclusively. Therefore, this variant is classified as a Variant of Uncertain Significance.

This study involves interpretation of variants in research participants for the purpose of population health screening. Participant phenotype was not available at the time of variant classification. Additional details can be found in publication PMID: 35346344, PMCID: PMC8962531

Color Diagnostics, LLC DBA Color Health
Classification: Uncertain significance for Cardiomyopathy. Last evaluated: 2024-03-06. Review status: criteria provided, single submitter. Criteria: ACMG Guidelines, 2015. Collection method: clinical testing. Allele origin: germline.
Comment: This missense variant replaces arginine with lysine at codon 722 of the DSG2 protein. Computational prediction suggests that this variant may not impact protein structure and function (internally defined REVEL score threshold <= 0.5, PMID: 27666373). To our knowledge, functional studies have not been reported for this variant. This variant has not been reported in individuals affected with cardiovascular disorders in the literature. This variant has been identified in 5/249456 chromosomes in the general population by the Genome Aggregation Database (gnomAD). The available evidence is insufficient to determine the role of this variant in disease conclusively. Therefore, this variant is classified as a Variant of Uncertain Significance.

GeneDx
Classification: Uncertain significance. Last evaluated: 2019-09-16. Review status: criteria provided, single submitter. Criteria: GeneDx Variant Classification Process June 2021. Collection method: clinical testing. Allele origin: germline. Affected: yes.
Comment: Has not been previously published as pathogenic or benign to our knowledge; Not observed at a significant frequency in large population cohorts (Lek et al., 2016); Reported in ClinVar as a variant of uncertain significance (ClinVar Variant ID# 422554; Landrum et al., 2016); In silico analysis, which includes protein predictors and evolutionary conservation, supports that this variant does not alter protein structure/function